The following is an entry in ClinVar:

NM_002519.3(NPAT):c.884T>A (p.Ile295Asn)

Gene: NPAT (nuclear protein, coactivator of histone transcription; minus strand). Cytogenetic location: 11q22.3.
Variant type: single nucleotide variant.
Coding change: c.884T>A on transcript NM_002519.3 (MANE Select); coding-DNA position 884, T replaced by A.
Protein change: p.Ile295Asn; replaces isoleucine 295 with asparagine.
Molecular consequence: missense variant.
Genome position (GRCh38, 1-based): chr11:108,185,254, A>T on the plus strand (T>A on the coding strand, the complement: NPAT is on the minus strand). VCF-style: chr11-108185254-A-T. GRCh37 (hg19) VCF-style: chr11-108055981-A-T.
Other names: c.884T>A, p.Ile295Asn (NM_001321307.1); short protein forms I295N.
Identifiers: ClinVar variation 1764878 (VCV001764878.3), dbSNP rs368052686, ClinGen allele CA382519730.
Genomic context (GRCh38, chr11:108,185,254, plus strand): 5'-AACACACACGCACCCATGCACACCCCAACCACCCATACCGGAAGTCCTAGGAATTCATCA[A>T]TTGAAGTCTCTGGCTCCGTAGGGTTGTTATCTGTTTGCTTAGGTACTTGGGCAATATTGT-3'
Protein context (NP_002510.2, residues 285-305): DNNPTEPETS[Ile295Asn]DEFLGLPSEI

ClinVar aggregate classification (germline): Uncertain significance (1 of 4 stars; one submission).

gnomAD v4.1: 1 of 1,612,074 alleles (0.000062%); highest among the groups gnomAD compares: Non-Finnish European, 0.000085%; no homozygotes.

Submission:

Ambry Genetics
Classification: Uncertain significance. Last evaluated: 2024-05-16. Review status: criteria provided, single submitter. Criteria: Ambry Variant Classification Scheme 2023. Collection method: clinical testing. Allele origin: germline.
Comment: The p.I295N variant (also known as c.884T>A), located in coding exon 10 of the NPAT gene, results from a T to A substitution at nucleotide position 884. The isoleucine at codon 295 is replaced by asparagine, an amino acid with dissimilar properties. This amino acid position is conserved. In addition, this alteration is predicted to be tolerated by in silico analysis. Since supporting evidence is limited at this time, the clinical significance of this alteration remains unclear.